The following is an entry in ClinVar:

ClinVar aggregate classification (germline): Pathogenic (0 of 4 stars; one submission).

Conditions:
Long QT syndrome (LQTS). Identifiers: MedGen C0023976, MeSH D008133, MONDO:0002442. Disease mechanism: loss of function. Inheritance: Various modes of inheritance.

Submission:

Biology Molecular and Stem Cell Facilities Laboratory, National Cardiovascular Center, Harapan Kita Hospital
Classification: Pathogenic for Long QT syndrome. Review status: no assertion criteria provided. Collection method: research. Allele origin: germline. Affected: yes.
Comment: Allele Freq Eas (0). This mutation point caused the KCNH2 protein to be translated abnormally terminated, and there is still no literature report for the new mutation point position

Literature cited by the submitters: PubMed 31137166; PubMed 30770456; PubMed 30481776.

NM_000238.4(KCNH2):c.3277_3278del (p.Pro1093fs)

Gene: KCNH2 (potassium voltage-gated channel subfamily H member 2; minus strand). Cytogenetic location: 7q36.1.
Variant type: Deletion.
Coding change: c.3277_3278del on transcript NM_000238.4 (MANE Select); coding-DNA positions 3277 to 3278, 2 bases deleted (CC; older notation c.3277_3278delCC).
Protein change: p.Pro1093fs; shifts the reading frame from proline 1093.
Molecular consequence: frameshift variant.
Genome position (GRCh38, 1-based): chr7:150,946,929-150,946,930, GG deleted on the plus strand (CC on the coding strand, the reverse complement: KCNH2 is on the minus strand); deleting any 2 consecutive bases within chr7:150,946,929-150,946,932 gives the same sequence; the c. name uses the placement nearest the transcript's 3' end. VCF-style (leftmost placement, unchanged base first): chr7-150946928-CGG-C. GRCh37 (hg19) VCF-style: chr7-150644016-CGG-C.
Other names: c.2987_2988delCC, p.Pro997Alafs (NM_001406753.1); c.2257_2258del, p.Pro753fs (NM_172057.3); c.3277_3278delCC (NM_000238.3); short protein forms P1093fs, P753fs.
Identifiers: ClinVar variation 2429379 (VCV002429379.2), dbSNP rs2486000547, ClinGen allele CA2580077684.